The following is an entry in ClinVar:

NC_000012.11:g.(?_112910728)_(113008334_?)dup

Gene: PTPN11 (protein tyrosine phosphatase non-receptor type 11; plus strand). Cytogenetic location: 12q24.13.
Variant type: Duplication.
Identifiers: ClinVar variation 3244346 (VCV003244346.1).

ClinVar aggregate classification (germline): Uncertain significance (1 of 4 stars; one submission).

Conditions:
RASopathy. Also called: Noonan spectrum disorder; rasopathies. Identifiers: Orphanet 536391, MedGen C5555857, MONDO:0021060.

Submission:

Labcorp Genetics (formerly Invitae), Labcorp
Classification: Uncertain significance for RASopathy. Last evaluated: 2022-10-31. Review status: criteria provided, single submitter. Criteria: Invitae Variant Classification Sherloc (09022015). Collection method: clinical testing. Allele origin: unknown.
Comment: In summary, the available evidence is currently insufficient to determine the role of this variant in disease. Therefore, it has been classified as a Variant of Uncertain Significance. Experimental studies and prediction algorithms are not available or were not evaluated, and the functional significance of this variant is currently unknown. This variant has not been reported in the literature in individuals affected with PTPN11-related conditions. This variant results in a copy number gain of the genomic region encompassing exon(s) 7-16 of the PTPN11 gene. This region includes the termination codon of the gene. This copy number gain extends beyond the assayed region for this gene and therefore may encompass additional genes. As the precise location of this event is unknown, it may be in tandem or it may be located elsewhere in the genome.